The following is an entry in ClinVar:

ClinVar aggregate classification (germline): Uncertain significance. Review status: criteria provided, multiple submitters, no conflicts (2 of 4 stars). 2 submissions from 2 submitters: Uncertain significance (2). Last evaluated 2026-09-10.

Conditions:
PCNT-related disorder. Also called: PCNT-related condition.

Allele frequency attached by ClinVar (database versions not stated): gnomAD 0.00001 and 0.00002; gnomAD exomes 0.00001; ExAC 0.00002; TOPMed 0.00004.
gnomAD v4.1: 22 of 1,614,140 alleles (0.0014%); highest among the groups gnomAD compares: Admixed American, 0.0033%; no homozygotes.

Submissions (2):

PreventionGenetics, part of Exact Sciences
Classification: Uncertain significance for PCNT-related condition. Last evaluated: 2026-09-10. Review status: criteria provided, single submitter. Criteria: ACMG Guidelines, 2015. Collection method: clinical testing. Allele origin: germline.
Comment: The PCNT c.6349G>A variant is predicted to result in the amino acid substitution p.Gly2117Arg. To our knowledge, this variant has not been reported in the literature. This variant is reported in 0.0040% of alleles in individuals of African descent in gnomAD. At this time, the clinical significance of this variant is uncertain due to the absence of conclusive functional and genetic evidence.

Genetic Services Laboratory, University of Chicago
Classification: Uncertain significance. Last evaluated: 2016-06-30. Review status: criteria provided, single submitter. Criteria: ACMG Guidelines, 2015. Collection method: clinical testing. Allele origin: germline. Affected: no.

NM_006031.6(PCNT):c.6349G>A (p.Gly2117Arg)

Gene: PCNT (pericentrin; plus strand). Cytogenetic location: 21q22.3.
Variant type: single nucleotide variant.
Coding change: c.6349G>A on transcript NM_006031.6 (MANE Select); coding-DNA position 6349, G replaced by A.
Protein change: p.Gly2117Arg; replaces glycine 2117 with arginine.
Molecular consequence: missense variant.
Genome position (GRCh38, 1-based): chr21:46,416,267, G>A. VCF-style: chr21-46416267-G-A. GRCh37 (hg19) VCF-style: chr21-47836181-G-A.
Other names: c.5995G>A, p.Gly1999Arg (NM_001315529.2); short protein forms G2117R, G1999R.
Identifiers: ClinVar variation 436210 (VCV000436210.9), dbSNP rs749897159, ClinGen allele CA10080312.